The following is an entry in ClinVar:

NM_001378120.1(MBD5):c.1969C>G (p.Arg657Gly)

Gene: MBD5 (methyl-CpG binding domain protein 5; plus strand). Cytogenetic location: 2q23.1.
Variant type: single nucleotide variant.
Coding change: c.1969C>G on transcript NM_001378120.1 (MANE Select); coding-DNA position 1969, C replaced by G.
Protein change: p.Arg657Gly; replaces arginine 657 with glycine.
Molecular consequence: missense variant.
Genome position (GRCh38, 1-based): chr2:148,469,912, C>G. VCF-style: chr2-148469912-C-G. GRCh37 (hg19) VCF-style: chr2-149227481-C-G.
Other names: c.1969C>G, p.Arg657Gly (NM_018328.5); short protein forms R657G.
Identifiers: ClinVar variation 1434051 (VCV001434051.7), dbSNP rs112334672, ClinGen allele CA348720832.

ClinVar aggregate classification (germline): Uncertain significance. Review status: criteria provided, multiple submitters, no conflicts (2 of 4 stars). 2 submissions from 2 submitters: Uncertain significance (2). Last evaluated 2023-12-30.

Conditions:
Intellectual developmental disorder, autosomal dominant 1. Also called: Intellectual disability, autosomal dominant 1; MBD5 Haploinsufficiency. Identifiers: Orphanet 228402, MedGen C1969562, MONDO:0007974, OMIM 156200.

Submissions (2):

Labcorp Genetics (formerly Invitae), Labcorp
Classification: Uncertain significance for Intellectual developmental disorder, autosomal dominant 1. Last evaluated: 2023-12-30. Review status: criteria provided, single submitter. Criteria: Invitae Variant Classification Sherloc (09022015). Collection method: clinical testing. Allele origin: germline.
Comment: This sequence change replaces arginine, which is basic and polar, with glycine, which is neutral and non-polar, at codon 657 of the MBD5 protein (p.Arg657Gly). This variant is not present in population databases (gnomAD no frequency). This variant has not been reported in the literature in individuals affected with MBD5-related conditions. ClinVar contains an entry for this variant (Variation ID: 1434051). Advanced modeling of protein sequence and biophysical properties (such as structural, functional, and spatial information, amino acid conservation, physicochemical variation, residue mobility, and thermodynamic stability) has been performed at Invitae for this missense variant, however the output from this modeling did not meet the statistical confidence thresholds required to predict the impact of this variant on MBD5 protein function. In summary, the available evidence is currently insufficient to determine the role of this variant in disease. Therefore, it has been classified as a Variant of Uncertain Significance.

GeneDx
Classification: Uncertain significance. Last evaluated: 2022-04-01. Review status: criteria provided, single submitter. Criteria: GeneDx Variant Classification Process June 2021. Collection method: clinical testing. Allele origin: germline. Affected: yes.
Comment: Not observed at significant frequency in large population cohorts (gnomAD); In silico analysis supports that this missense variant does not alter protein structure/function; Has not been previously published as pathogenic or benign to our knowledge